The following is an entry in ClinVar:

NM_002227.4(JAK1):c.1202A>T (p.Glu401Val)

Gene: JAK1 (Janus kinase 1; minus strand). Cytogenetic location: 1p31.3.
Variant type: single nucleotide variant.
Coding change: c.1202A>T on transcript NM_002227.4 (MANE Select); coding-DNA position 1202, A replaced by T.
Protein change: p.Glu401Val; replaces glutamic acid 401 with valine.
Molecular consequence: missense variant.
Genome position (GRCh38, 1-based): chr1:64,860,237, T>A on the plus strand (A>T on the coding strand, the complement: JAK1 is on the minus strand). VCF-style: chr1-64860237-T-A. GRCh37 (hg19) VCF-style: chr1-65325920-T-A.
Other names: c.1202A>T, p.Glu401Val (NM_001320923.2, NM_001321852.2, NM_001321853.2 and 4 more transcripts); short protein forms E401V.
Identifiers: ClinVar variation 2989772 (VCV002989772.3), dbSNP rs764314225, ClinGen allele CA892997.
Genomic context (GRCh38, chr1:64,860,237, plus strand): 5'-TGATGGGCATCTGCTGTGAGCCGGAAGTAGCCATCTACCAGGGACACAAAGGACAAGGCC[T>A]CCTCGTGGGAAGAGAGCTTCAGTTCCTGTTGAGAGAGAAGAAATTCCCACGGTTACATCA-3'
Protein context (NP_002218.2, residues 391-411): KMELKLSSHE[Glu401Val]ALSFVSLVDG

ClinVar aggregate classification (germline): Uncertain significance (1 of 4 stars; one submission).

gnomAD v4.1: 27 of 1,606,610 alleles (0.0017%); highest among the groups gnomAD compares: Non-Finnish European, 0.0021%; no homozygotes.

Submission:

Labcorp Genetics (formerly Invitae), Labcorp
Classification: Uncertain significance. Last evaluated: 2025-08-24. Review status: criteria provided, single submitter. Criteria: Invitae Variant Classification Sherloc (09022015). Collection method: clinical testing. Allele origin: germline.
Comment: This sequence change replaces glutamic acid, which is acidic and polar, with valine, which is neutral and non-polar, at codon 401 of the JAK1 protein (p.Glu401Val). This variant is present in population databases (rs764314225, gnomAD 0.002%). This variant has not been reported in the literature in individuals affected with JAK1-related conditions. ClinVar contains an entry for this variant (Variation ID: 2989772). Invitae Evidence Modeling of protein sequence and biophysical properties (such as structural, functional, and spatial information, amino acid conservation, physicochemical variation, residue mobility, and thermodynamic stability) indicates that this missense variant is not expected to disrupt JAK1 protein function with a negative predictive value of 80%. In summary, the available evidence is currently insufficient to determine the role of this variant in disease. Therefore, it has been classified as a Variant of Uncertain Significance.